The following is an entry in ClinVar:

NM_031935.3(HMCN1):c.15487G>C (p.Asp5163His)

Gene: HMCN1 (hemicentin 1; plus strand). Cytogenetic location: 1q31.1.
Variant type: single nucleotide variant.
Coding change: c.15487G>C on transcript NM_031935.3 (MANE Select); coding-DNA position 15487, G replaced by C.
Protein change: p.Asp5163His; replaces aspartic acid 5163 with histidine.
Molecular consequence: missense variant.
Genome position (GRCh38, 1-based): chr1:186,166,855, G>C. VCF-style: chr1-186166855-G-C. GRCh37 (hg19) VCF-style: chr1-186135987-G-C.
Other names: short protein forms D5163H.
Identifiers: ClinVar variation 2253100 (VCV002253100.4), dbSNP rs775752801, ClinGen allele CA343930163.
Genomic context (GRCh38, chr1:186,166,855, plus strand): 5'-CCCTCTGTTGCAGATATTGATGAGTGTGCTTTGGGTAGGCATACCTGCCACGCTGGTCAG[G>C]ACTGTGACAATACGATTGGATCTTATCGCTGTGTGGTCCGTTGTGGAAGTGGCTTTCGAA-3'
Protein context (NP_114141.2, residues 5153-5173): LGRHTCHAGQ[Asp5163His]CDNTIGSYRC

ClinVar aggregate classification (germline): Uncertain significance. Review status: criteria provided, multiple submitters, no conflicts (2 of 4 stars). 2 submissions from 2 submitters: Uncertain significance (2). Last evaluated 2024-06-21.

Submissions (2):

Labcorp Genetics (formerly Invitae), Labcorp
Classification: Uncertain significance. Last evaluated: 2024-06-21. Review status: criteria provided, single submitter. Criteria: Invitae Variant Classification Sherloc (09022015). Collection method: clinical testing. Allele origin: germline.
Comment: This sequence change replaces aspartic acid, which is acidic and polar, with histidine, which is basic and polar, at codon 5163 of the HMCN1 protein (p.Asp5163His). This variant is not present in population databases (gnomAD no frequency). This variant has not been reported in the literature in individuals affected with HMCN1-related conditions. ClinVar contains an entry for this variant (Variation ID: 2253100). An algorithm developed to predict the effect of missense changes on protein structure and function (PolyPhen-2) suggests that this variant is likely to be disruptive. In summary, the available evidence is currently insufficient to determine the role of this variant in disease. Therefore, it has been classified as a Variant of Uncertain Significance.

Ambry Genetics
Classification: Uncertain significance. Last evaluated: 2021-10-05. Review status: criteria provided, single submitter. Criteria: Ambry Variant Classification Scheme 2023. Collection method: clinical testing. Allele origin: germline.